The following is an entry in ClinVar:

NM_000548.5(TSC2):c.4662+18G>A

Gene: TSC2 (TSC complex subunit 2; plus strand). Cytogenetic location: 16p13.3.
Variant type: single nucleotide variant.
Coding change: c.4662+18G>A on transcript NM_000548.5 (MANE Select); 18 bases into the intron after coding-DNA position 4662, G replaced by A.
Molecular consequence: intron variant.
Genome position (GRCh38, 1-based): chr16:2,085,340, G>A. VCF-style: chr16-2085340-G-A. GRCh37 (hg19) VCF-style: chr16-2135341-G-A.
Other names: c.4593+18G>A (NM_001114382.3); c.4533+18G>A (NM_021055.3, NM_001370405.1); c.4464+18G>A (NM_001363528.2); c.4530+18G>A (NM_001370404.1); c.4461+18G>A (NM_001077183.3); c.4353+18G>A (NM_001318827.2); c.3930+18G>A (NM_001318831.2); c.4317+18G>A (NM_001318829.2); and 1 more.
Identifiers: ClinVar variation 50030 (VCV000050030.13), dbSNP rs45517357, ClinGen allele CA020843.

ClinVar aggregate classification (germline): Benign/Likely benign. Review status: criteria provided, multiple submitters, no conflicts (2 of 4 stars). 7 submissions from 7 submitters: Benign (2); Likely benign (2). 3 of the submissions do not count toward it. Last evaluated 2026-01-19.

Conditions:
Tuberous sclerosis syndrome (TSC). Also called: Tuberous Sclerosis Complex; Tuberous sclerosis. Identifiers: Orphanet 805, MedGen C0041341, MONDO:0001734.
Tuberous sclerosis 2 (TSC2). Identifiers: Orphanet 805, MedGen C1860707, MONDO:0013199, OMIM 613254.

Allele frequency attached by ClinVar (database versions not stated): gnomAD 0.00008; ExAC 0.00010; gnomAD exomes 0.00012; TOPMed 0.00020.
gnomAD v4.1: 195 of 1,612,260 alleles (0.012%); highest among the groups gnomAD compares: East Asian, 0.067%; no homozygotes.

Submissions (7):

Labcorp Genetics (formerly Invitae), Labcorp
Classification: Benign for Tuberous sclerosis 2. Last evaluated: 2026-01-19. Review status: criteria provided, single submitter. Criteria: Invitae Variant Classification Sherloc (09022015). Collection method: clinical testing. Allele origin: germline.

Women's Health and Genetics/Laboratory Corporation of America, LabCorp
Classification: Benign. Last evaluated: 2025-06-16. Review status: criteria provided, single submitter. Criteria: LabCorp Variant Classification Summary - May 2015. Collection method: clinical testing. Allele origin: germline.
Comment: Variant summary: TSC2 c.4662+18G>A alters a nucleotide located at a position not widely known to affect splicing. Consensus agreement among computation tools predict no significant impact on normal splicing. However, these predictions have yet to be confirmed by functional studies. The variant allele was found at a frequency of 0.00012 in 248892 control chromosomes (gnomAD). The observed variant frequency is approximately 2 fold of the estimated maximal expected allele frequency for a pathogenic variant in TSC2 causing Tuberous Sclerosis Complex phenotype (6.9e-05). To our knowledge, no occurrence of c.4662+18G>A in individuals affected with Tuberous Sclerosis Complex and no experimental evidence demonstrating its impact on protein function have been reported. ClinVar contains an entry for this variant (Variation ID: 50030). Based on the evidence outlined above, the variant was classified as benign.

Blueprint Genetics
Classification: Likely benign. Last evaluated: 2023-04-28. Review status: criteria provided, single submitter. Criteria: ACMG Guidelines, 2015. Collection method: clinical testing. Allele origin: germline.

GeneDx
Classification: Likely benign. Last evaluated: 2019-04-09. Review status: criteria provided, single submitter. Criteria: GeneDx Variant Classification Process June 2021. Collection method: clinical testing. Allele origin: germline. Affected: yes.
Comment: This variant is associated with the following publications: (PMID: 17304050, 9302281, 15798777, 17120248)

Clinical Genetics DNA and cytogenetics Diagnostics Lab, Erasmus MC, Erasmus Medical Center
Classification: Benign. Review status: no assertion criteria provided. Collection method: clinical testing. Allele origin: germline. Affected: yes. Study: VKGL Data-share Consensus. Not counted in ClinVar's aggregate classification.

Genome Diagnostics Laboratory, University Medical Center Utrecht
Classification: Likely benign. Review status: no assertion criteria provided. Collection method: clinical testing. Allele origin: germline. Affected: yes. Study: VKGL Data-share Consensus. Not counted in ClinVar's aggregate classification.

Tuberous sclerosis database (TSC2)
No classification provided. Condition: TSC. Review status: no classification provided. Criteria: Tuberous Sclerosis Database Assertion Criteria 2015. Collection method: curation. Allele origin: germline. Affected: yes. Not counted in ClinVar's aggregate classification.